The following is an entry in ClinVar:

NM_005902.4(SMAD3):c.942del (p.Phe314fs)

Gene: SMAD3 (SMAD family member 3; plus strand). Cytogenetic location: 15q22.33.
Variant type: Deletion.
Coding change: c.942del on transcript NM_005902.4 (MANE Select); coding-DNA position 942, one base deleted (T; older notation c.942delT).
Protein change: p.Phe314fs; shifts the reading frame from phenylalanine 314.
Molecular consequence: frameshift variant.
Genome position (GRCh38, 1-based): chr15:67,184,797, T deleted; the last of 5 consecutive T bases (chr15:67,184,793-67,184,797); deleting any one gives the same sequence. VCF-style (leftmost placement, unchanged base first): chr15-67184792-AT-A. GRCh37 (hg19) VCF-style: chr15-67477130-AT-A.
Other names: c.627del, p.Phe209fs (NM_001145102.2); c.810del, p.Phe270fs (NM_001145103.2); c.357del, p.Phe119fs (NM_001145104.2); c.357delT (NM_001145104.1); short protein forms F314fs, F119fs, F209fs, F270fs.
Identifiers: ClinVar variation 213805 (VCV000213805.6), dbSNP rs863223768, ClinGen allele CA323883.

ClinVar aggregate classification (germline): Pathogenic/Likely pathogenic. Review status: criteria provided, multiple submitters, no conflicts (2 of 4 stars). 3 submissions from 3 submitters: Pathogenic (2); Likely pathogenic (1). Last evaluated 2025-01-20.

Conditions:
Familial thoracic aortic aneurysm and aortic dissection (TAAD). Also called: Thoracic aortic aneurysms and dissections. Identifiers: Orphanet 91387, MedGen C4707243, MONDO:0019625.

Submissions (3):

Labcorp Genetics (formerly Invitae), Labcorp
Classification: Pathogenic for Familial thoracic aortic aneurysm and aortic dissection. Last evaluated: 2025-01-20. Review status: criteria provided, single submitter. Criteria: Invitae Variant Classification Sherloc (09022015). Collection method: clinical testing. Allele origin: germline.
Comment: This sequence change creates a premature translational stop signal (p.Phe314Leufs*27) in the SMAD3 gene. It is expected to result in an absent or disrupted protein product. Loss-of-function variants in SMAD3 are known to be pathogenic (PMID: 21778426, 24804794). This variant is not present in population databases (gnomAD no frequency). This variant has not been reported in the literature in individuals affected with SMAD3-related conditions. ClinVar contains an entry for this variant (Variation ID: 213805). For these reasons, this variant has been classified as Pathogenic.

Ambry Genetics
Classification: Pathogenic for Familial thoracic aortic aneurysm and aortic dissection. Last evaluated: 2021-08-31. Review status: criteria provided, single submitter. Criteria: Ambry Variant Classification Scheme 2023. Collection method: clinical testing. Allele origin: germline.
Comment: The c.942delT pathogenic mutation, located in coding exon 7 of the SMAD3 gene, results from a deletion of one nucleotide at nucleotide position 942, causing a translational frameshift with a predicted alternate stop codon (p.F314Lfs*27). This variant is considered to be rare based on population cohorts in the Genome Aggregation Database (gnomAD). In addition, this alteration is expected to result in loss of function by premature protein truncation or nonsense-mediated mRNA decay. As such, this alteration is interpreted as a disease-causing mutation.

GeneDx
Classification: Likely pathogenic. Last evaluated: 2016-01-14. Review status: criteria provided, single submitter. Criteria: GeneDx Variant Classification (06012015). Collection method: clinical testing. Allele origin: germline. Affected: yes.
Comment: Although the c.942delT likely pathogenic variant in the SMAD3 gene has not been reported to our knowledge, this variant causes a shift in reading frame starting at codon Phenylalanine 314, changing it to a Leucine, and creating a premature stop codon at position 27 of the new reading frame, denoted p.Phe314LeufsX27. This variant is expected to result in either an abnormal, truncated protein product or loss of protein from this allele through nonsense-mediated mRNA decay. Other frameshift variants in the SMAD3 gene have been reported in HGMD in association with aneurysms-osteoarthritis syndrome and other TAAD-related disorders (Stenson et al., 2014). Furthermore, the c.942delT variant was not observed in approximately 6,500 individuals of European and African American ancestry in the NHLBI Exome Sequencing Project, indicating it is not a common benign variant in these populations.While the c.942delT variant has not been published, it is expected to be pathogenic, as loss of function variants in this gene are strongly associated with this phenotype.

Literature cited by the submitters: PubMed 21778426 (cited by Labcorp Genetics (formerly Invitae), Labcorp); PubMed 24804794 (cited by Labcorp Genetics (formerly Invitae), Labcorp).